The following is an entry in ClinVar:

NM_001868.4(CPA1):c.409G>A (p.Ala137Thr)

Gene: CPA1 (carboxypeptidase A1; plus strand). Cytogenetic location: 7q32.2.
Variant type: single nucleotide variant.
Coding change: c.409G>A on transcript NM_001868.4 (MANE Select); coding-DNA position 409, G replaced by A.
Protein change: p.Ala137Thr; replaces alanine 137 with threonine.
Molecular consequence: missense variant.
Genome position (GRCh38, 1-based): chr7:130,382,135, G>A. VCF-style: chr7-130382135-G-A. GRCh37 (hg19) VCF-style: chr7-130021976-G-A.
Other names: c.409G>A (NM_001868.2); short protein forms A137T.
Identifiers: ClinVar variation 1001051 (VCV001001051.10), dbSNP rs1418197645, ClinGen allele CA369280851.

ClinVar aggregate classification (germline): Conflicting classifications of pathogenicity. Review status: criteria provided, conflicting classifications (1 of 4 stars). 2 submissions from 2 submitters: Uncertain significance (1); Likely benign (1). Last evaluated 2024-03-25.

Conditions:
Hereditary pancreatitis (PCTT). Also called: Hereditary chronic pancreatitis; PRSS1-Related Hereditary Pancreatitis. Identifiers: Orphanet 676, MedGen C0238339, MONDO:0008185, OMIM 167800.

Allele frequency attached by ClinVar (database versions not stated): gnomAD exomes below 0.00001; TOPMed 0.00001.
gnomAD v4.1: 7 of 1,614,232 alleles (0.00043%); highest among the groups gnomAD compares: Non-Finnish European, 0.00059%; no homozygotes.

Submissions (2):

Ambry Genetics
Classification: Likely benign for Hereditary pancreatitis. Last evaluated: 2024-03-25. Review status: criteria provided, single submitter. Criteria: Ambry Variant Classification Scheme 2023. Collection method: clinical testing. Allele origin: germline.

Labcorp Genetics (formerly Invitae), Labcorp
Classification: Uncertain significance. Last evaluated: 2020-07-29. Review status: criteria provided, single submitter. Criteria: Invitae Variant Classification Sherloc (09022015). Collection method: clinical testing. Allele origin: germline.
Comment: This sequence change replaces alanine with threonine at codon 137 of the CPA1 protein (p.Ala137Thr). The alanine residue is moderately conserved and there is a small physicochemical difference between alanine and threonine. This variant is not present in population databases (ExAC no frequency). This variant has not been reported in the literature in individuals with CPA1-related conditions. Algorithms developed to predict the effect of missense changes on protein structure and function output the following: SIFT: "Tolerated"; PolyPhen-2: "Benign"; Align-GVGD: "Class C0". The threonine amino acid residue is found in multiple mammalian species, suggesting that this missense change does not adversely affect protein function. These predictions have not been confirmed by published functional studies and their clinical significance is uncertain. In summary, the available evidence is currently insufficient to determine the role of this variant in disease. Therefore, it has been classified as a Variant of Uncertain Significance.